The following is an entry in ClinVar:

ClinVar aggregate classification (germline): Uncertain significance (1 of 4 stars; one submission).

Submission:

Dasa
Classification: Uncertain significance. Last evaluated: 2024-12-26. Review status: criteria provided, single submitter. Criteria: DASA Assertion Criteria. Collection method: clinical testing. Allele origin: germline.
Comment: NM_000284.4(PDHA1):c.530T>G (p.Ile177Ser) is a missense variant that results in the substitution of isoleucine with serine. This variant is absent from population databases. Computational prediction algorithms are consistent with a deleterious effect. The currently available literature and clinical evidence are not sufficient to establish a definitive association between this variant and the reported condition. Therefore, this variant is classified as a variant of uncertain significance.

NM_000284.4(PDHA1):c.530T>G (p.Ile177Ser)

Gene: PDHA1 (pyruvate dehydrogenase E1 subunit alpha 1; plus strand). Cytogenetic location: Xp22.12.
Variant type: single nucleotide variant.
Coding change: c.530T>G on transcript NM_000284.4 (MANE Select); coding-DNA position 530, T replaced by G.
Protein change: p.Ile177Ser; replaces isoleucine 177 with serine.
Molecular consequence: missense variant. On other transcripts: intron variant (1).
Genome position (GRCh38, 1-based): chrX:19,354,510, T>G. VCF-style: chrX-19354510-T-G. GRCh37 (hg19) VCF-style: chrX-19372628-T-G.
Other names: c.644T>G, p.Ile215Ser (NM_001173454.2); c.551T>G, p.Ile184Ser (NM_001173455.2); c.511-839T>G (NM_001173456.2); short protein forms I177S, I184S, I215S.
Identifiers: ClinVar variation 4885471 (VCV004885471.2).